The following is an entry in ClinVar:

NM_002335.4(LRP5):c.3018C>T (p.Asp1006=)

Gene: LRP5 (LDL receptor related protein 5; plus strand). Cytogenetic location: 11q13.2.
Variant type: single nucleotide variant.
Coding change: c.3018C>T on transcript NM_002335.4 (MANE Select); coding-DNA position 3018, C replaced by T.
Protein change: p.Asp1006=; no amino-acid change (aspartic acid 1006 retained).
Molecular consequence: synonymous variant.
Genome position (GRCh38, 1-based): chr11:68,416,518, C>T. VCF-style: chr11-68416518-C-T. GRCh37 (hg19) VCF-style: chr11-68183986-C-T.
Other names: c.1275C>T, p.Asp425= (NM_001291902.2); c.3018C>T (NM_002335.3).
Identifiers: ClinVar variation 1123072 (VCV001123072.33), dbSNP rs146792434, ClinGen allele CA6149810.

ClinVar aggregate classification (germline): Likely benign. Review status: criteria provided, multiple submitters, no conflicts (2 of 4 stars). 5 submissions from 5 submitters: Likely benign (5). Last evaluated 2026-01-23.

Conditions:
Bone mineral density quantitative trait locus 1 (BMND1). Identifiers: MedGen C1866079, OMIM 601884.
Exudative vitreoretinopathy 4 (EVR4). Identifiers: Orphanet 891, MedGen C1866176, MONDO:0011151, OMIM 601813.
Worth disease. Also called: ENDOSTEAL HYPEROSTOSIS, AUTOSOMAL DOMINANT; Autosomal dominant osteosclerosis, Worth type; OSTEOSCLEROSIS, AUTOSOMAL DOMINANT. Identifiers: Orphanet 2790, MedGen C0432273, MONDO:0007764, OMIM 144750.
Polycystic liver disease 4 with or without kidney cysts. Identifiers: MedGen C4693479, MONDO:0044327, OMIM 617875.
Exudative vitreoretinopathy 1 (EVR1). Also called: FEVR, AUTOSOMAL DOMINANT; Familial exudative vitreoretinopathy, autosomal dominant; CRISWICK-SCHEPENS SYNDROME. Identifiers: Orphanet 891, Orphanet 90050, MedGen C1851402, MONDO:0007589, OMIM 133780.
Osteoporosis with pseudoglioma (OPPG). Also called: osteoporosis-pseudoglioma syndrome. Identifiers: Orphanet 2788, MedGen C0432252, MONDO:0009820, OMIM 259770.
Osteoporosis. Identifiers: MedGen C0029456, MONDO:0005298, OMIM 166710, HP:0000939.
Autosomal dominant osteopetrosis 1 (OPTA1). Also called: OSTEOPETROSIS, AUTOSOMAL DOMINANT, TYPE I. Identifiers: Orphanet 2783, MedGen C1843330, MONDO:0011877, OMIM 607634.
LRP5-related disorder. Also called: LRP5-related condition.

Allele frequency attached by ClinVar (database versions not stated): gnomAD 0.00004 and 0.00005; ExAC 0.00014; ESP Exome Variant Server 0.00015.
gnomAD v4.1: 178 of 1,614,096 alleles (0.011%); highest among the groups gnomAD compares: South Asian, 0.021%; 1 homozygote.

Submissions (5):

Labcorp Genetics (formerly Invitae), Labcorp
Classification: Likely benign. Last evaluated: 2026-01-23. Review status: criteria provided, single submitter. Criteria: Invitae Variant Classification Sherloc (09022015). Collection method: clinical testing. Allele origin: germline.

PreventionGenetics, part of Exact Sciences
Classification: Likely benign for LRP5-related condition. Last evaluated: 2024-11-23. Review status: criteria provided, single submitter. Criteria: ACMG Guidelines, 2015. Collection method: clinical testing. Allele origin: germline.
Comment: This variant is classified as likely benign based on ACMG/AMP sequence variant interpretation guidelines (Richards et al. 2015 PMID: 25741868, with internal and published modifications).

CeGaT Center for Human Genetics Tuebingen
Classification: Likely benign. Last evaluated: 2024-03-01. Review status: criteria provided, single submitter. Criteria: CeGaT Center For Human Genetics Tuebingen Variant Classification Criteria Version 2. Collection method: clinical testing. Allele origin: germline. Affected: yes. Observed: 1 variant allele.
Comment: LRP5: BP4, BP7

Fulgent Genetics
Classification: Likely benign for Exudative vitreoretinopathy 1; Worth disease; Osteoporosis; Osteoporosis with pseudoglioma; Exudative vitreoretinopathy 4; Bone mineral density quantitative trait locus 1; Autosomal dominant osteopetrosis 1; Polycystic liver disease 4 with or without kidney cysts. Last evaluated: 2022-05-03. Review status: criteria provided, single submitter. Criteria: ACMG Guidelines, 2015. Collection method: clinical testing. Allele origin: unknown.

Blueprint Genetics
Classification: Likely benign. Last evaluated: 2021-09-15. Review status: criteria provided, single submitter. Criteria: ACMG Guidelines, 2015. Collection method: clinical testing. Allele origin: germline.